The following is an entry in ClinVar:

NM_001162498.3(LPAR6):c.436G>A (p.Gly146Arg)

Genes: LPAR6 (lysophosphatidic acid receptor 6; minus strand), RB1 (RB transcriptional corepressor 1; plus strand). Cytogenetic location: 13q14.2.
Variant type: single nucleotide variant.
Coding change: c.436G>A on transcript NM_001162498.3 (MANE Select); coding-DNA position 436, G replaced by A.
Protein change: p.Gly146Arg; replaces glycine 146 with arginine.
Molecular consequence: missense variant. On other transcripts: intron variant (2).
Genome position (GRCh38, 1-based): chr13:48,411,988, C>T on the plus strand (G>A on the coding strand, the complement: LPAR6 is on the minus strand). VCF-style: chr13-48411988-C-T. GRCh37 (hg19) VCF-style: chr13-48986124-C-T.
Other names: c.436G>A, p.Gly146Arg (NM_001162497.3, NM_001377316.2, NM_001377317.2 and 1 more transcripts); c.1695+30545C>T (NM_001407165.1, NM_000321.3); short protein forms G146R.
Identifiers: ClinVar variation 1828 (VCV000001828.5), dbSNP rs121434308, ClinGen allele CA026394.
Genomic context (GRCh38, chr13:48,411,988, plus strand): 5'-CTGAGGCATTGTTACCCTGAGAGTGGGTAGACTGAACAAAAACGGCGGGTGCACTTCCTC[C>T]GATCACAGTTAACCACACGCCAGTGCAAACAATCTTTGCATTTCTTTTGGTTCTTAGAGT-3'
Protein context (NP_001155970.1, residues 136-156): VCTGVWLTVI[Gly146Arg]GSAPAVFVQS

ClinVar aggregate classification (germline): Likely pathogenic. Review status: criteria provided, multiple submitters, no conflicts (2 of 4 stars). 3 submissions from 3 submitters: Likely pathogenic (2). 1 of the submissions does not count toward it. Last evaluated 2023-07-25.

Conditions:
Hypotrichosis 8 (HYPT8). Also called: HYPOTRICHOSIS, LOCALIZED, AUTOSOMAL RECESSIVE 3. Identifiers: Orphanet 55654, MedGen C3279470, MONDO:0010206, OMIM 278150.

Allele frequency attached by ClinVar (database versions not stated): gnomAD 0.00001 and below 0.00001; gnomAD exomes 0.00001; ExAC 0.00001.
gnomAD v4.1: 11 of 1,604,734 alleles (0.00069%); highest among the groups gnomAD compares: South Asian, 0.0033%; 1 homozygote.

Submissions (3):

3billion
Classification: Likely pathogenic for Hypotrichosis 8. Last evaluated: 2023-07-25. Review status: criteria provided, single submitter. Criteria: ACMG Guidelines, 2015. Collection method: clinical testing. Allele origin: germline. Affected: yes.
Comment: The variant is observed at an extremely low frequency in the gnomAD v2.1.1 dataset (total allele frequency: 0.001%). Predicted Consequence/Location: Missense variant Same nucleotide change resulting in same amino acid change has been previously reported as pathogenic/likely pathogenic with strong evidence (ClinVar ID: VCV000001828 /PMID: 18461368 /3billion dataset). The variant has been reported to be in trans with a pathogenic variant as either compound heterozygous or homozygous in at least one similarly affected unrelated individual (PMID: 21426374, 31077348). Therefore, this variant is classified as Likely pathogenic according to the recommendation of ACMG/AMP guideline.

SIB Swiss Institute of Bioinformatics
Classification: Likely pathogenic for Hypotrichosis 8. Review status: criteria provided, single submitter. Criteria: ACMG Guidelines, 2015. Collection method: curation. Allele origin: unknown.
Comment: This variant is interpreted as likely pathogenic for Hypotrichosis 8, autosomal recessive. The following ACMG Tag(s) were applied: Absent from controls (or at extremely low frequency if recessive) in Exome Sequencing Project, 1000 Genomes Project, or Exome Aggregation Consortium (PM2); Cosegregation with disease in multiple affected family members in a gene definitively known to cause the disease (PP1 upgraded to moderate); For recessive disorders, detected in trans with a pathogenic variant (PM3); Well-established functional studies show a deleterious effect (PS3 downgraded to supporting)

OMIM
Classification: Pathogenic for HYPOTRICHOSIS 8. Last evaluated: 2011-08-01. Review status: no assertion criteria provided. Collection method: literature only. Allele origin: germline. Not counted in ClinVar's aggregate classification.

Literature cited by the submitters: PubMed 31077348 (cited by 3billion); PubMed 18461368 (cited by 3 submitters); PubMed 21426374 (cited by 3 submitters); PubMed 19292720 (cited by SIB Swiss Institute of Bioinformatics); PubMed 36173926 (cited by SIB Swiss Institute of Bioinformatics).